The following is an entry in ClinVar:

NM_001999.4(FBN2):c.1465+3A>G

Gene: FBN2 (fibrillin 2; minus strand). Cytogenetic location: 5q23.3.
Variant type: single nucleotide variant.
Coding change: c.1465+3A>G on transcript NM_001999.4 (MANE Select); 3 bases into the intron after coding-DNA position 1465, A replaced by G.
Molecular consequence: intron variant.
Genome position (GRCh38, 1-based): chr5:128,393,132, T>C on the plus strand (A>G on the coding strand, the complement: FBN2 is on the minus strand). VCF-style: chr5-128393132-T-C. GRCh37 (hg19) VCF-style: chr5-127728825-T-C.
Identifiers: ClinVar variation 3277976 (VCV003277976.1).
Genomic context (GRCh38, chr5:128,393,132, plus strand): 5'-TAGATATTATAATGTCACTTGAGGCAGGAAACTAAAGAGTCCACAGGAAAACTGACCACT[T>C]ACTTAGTCCAGTGATGATAGGTCCCTGTCCCCCGGCCCCCACACCGGCTCCCCCAACGCC-3'

ClinVar aggregate classification (germline): Uncertain significance (1 of 4 stars; one submission).

Conditions:
Familial thoracic aortic aneurysm and aortic dissection (TAAD). Also called: Thoracic aortic aneurysms and dissections. Identifiers: Orphanet 91387, MedGen C4707243, MONDO:0019625.

Submission:

Ambry Genetics
Classification: Uncertain significance for Familial thoracic aortic aneurysm and aortic dissection. Last evaluated: 2024-06-14. Review status: criteria provided, single submitter. Criteria: Ambry Variant Classification Scheme 2023. Collection method: clinical testing. Allele origin: germline.
Comment: The c.1465+3A>G intronic variant results from an A to G substitution 3 nucleotides after coding exon 10 in the FBN2 gene. This nucleotide position is poorly conserved in available vertebrate species. In silico splice site analysis predicts that this alteration may result in the creation or strengthening of a novel splice donor site. Based on the available evidence, the clinical significance of this variant remains unclear.